The following is an entry in ClinVar:

ClinVar aggregate classification (germline): Likely pathogenic (1 of 4 stars; one submission).

Conditions:
Alstrom syndrome (ALMS). Identifiers: Orphanet 64, MedGen C0268425, MONDO:0008763, OMIM 203800.

Submission:

Myriad Genetics, Inc.
Classification: Likely pathogenic for Alstrom syndrome. Last evaluated: 2022-02-05. Review status: criteria provided, single submitter. Criteria: Myriad Women's Health Autosomal Recessive and X-Linked Classification Criteria (2021). Collection method: clinical testing. Allele origin: unknown.
Comment: NM_015120.4(ALMS1):c.5563A>T(R1855*) is expected to be pathogenic in the context of Alstrom syndrome. This variant is predicted to lead to an abnormal or absent protein product due to the creation of a premature termination codon in ALMS1, a gene where loss-of-function variants are known to be pathogenic. Please note: this variant was assessed in the context of healthy population screening.

NM_001378454.1(ALMS1):c.5560A>T (p.Arg1854Ter)

Gene: ALMS1 (ALMS1 centrosome and basal body associated protein; plus strand). Cytogenetic location: 2p13.1.
Variant type: single nucleotide variant.
Coding change: c.5560A>T on transcript NM_001378454.1 (MANE Select); coding-DNA position 5560, A replaced by T.
Protein change: p.Arg1854Ter; replaces arginine 1854 with a stop codon.
Molecular consequence: nonsense.
Genome position (GRCh38, 1-based): chr2:73,452,087, A>T. VCF-style: chr2-73452087-A-T. GRCh37 (hg19) VCF-style: chr2-73679214-A-T.
Other names: c.5563A>T, p.Arg1855Ter (NM_015120.4); short protein forms R1854*, R1855*.
Identifiers: ClinVar variation 1724298 (VCV001724298.2), dbSNP rs2466105724, ClinGen allele CA347282564.